The following is an entry in ClinVar:

ClinVar aggregate classification (germline): Uncertain significance (1 of 4 stars; one submission).

Conditions:
Atrial fibrillation, familial, 7 (ATFB7). Identifiers: MedGen C2677106, MONDO:0012828, OMIM 612240.

Submission:

Labcorp Genetics (formerly Invitae), Labcorp
Classification: Uncertain significance for Atrial fibrillation, familial, 7. Last evaluated: 2025-11-09. Review status: criteria provided, single submitter. Criteria: Invitae Variant Classification Sherloc (09022015). Collection method: clinical testing. Allele origin: germline.
Comment: This variant, c.670_672del, results in the deletion of 1 amino acid(s) of the KCNA5 protein (p.Glu224del), but otherwise preserves the integrity of the reading frame. This variant is present in population databases (rs752399508, gnomAD 0.002%). This variant has not been reported in the literature in individuals affected with KCNA5-related conditions. Experimental studies and prediction algorithms are not available or were not evaluated, and the functional significance of this variant is currently unknown. In summary, the available evidence is currently insufficient to determine the role of this variant in disease. Therefore, it has been classified as a Variant of Uncertain Significance.

NM_002234.4(KCNA5):c.667GAG[1] (p.Glu224del)

Gene: KCNA5 (potassium voltage-gated channel subfamily A member 5; plus strand). Cytogenetic location: 12p13.32.
Variant type: Microsatellite.
Coding change: c.667GAG[1] on transcript NM_002234.4 (MANE Select); one copy of the 3-base unit GAG starting at c.667; the reference has two copies in a row; one copy, 3 bases deleted.
Protein change: p.Glu224del; deletes glutamic acid 224.
Molecular consequence: inframe deletion.
Genome position (GRCh38, 1-based): chr12:5,044,817-5,044,819, GAG deleted; deleting any 3 consecutive bases within chr12:5,044,814-5,044,819 gives the same sequence; the position shown is the placement nearest the transcript's 3' end. VCF-style (leftmost placement, unchanged base first): chr12-5044813-AGAG-A. GRCh37 (hg19) VCF-style: chr12-5153979-AGAG-A.
Other names: short protein forms E224del.
Identifiers: ClinVar variation 4738181 (VCV004738181.1).